The following is an entry in ClinVar:

ClinVar aggregate classification (germline): Uncertain significance (1 of 4 stars; one submission).

Submission:

CeGaT Center for Human Genetics Tuebingen
Classification: Uncertain significance. Last evaluated: 2022-10-01. Review status: criteria provided, single submitter. Criteria: CeGaT Center For Human Genetics Tuebingen Variant Classification Criteria Version 2. Collection method: clinical testing. Allele origin: germline. Affected: yes. Observed: 1 variant allele.
Comment: ZFHX2: PM2, BP4

NM_033400.3(ZFHX2):c.3197T>C (p.Leu1066Pro)

Genes: THTPA (thiamine triphosphatase; plus strand), ZFHX2 (zinc finger homeobox 2; minus strand). Cytogenetic location: 14q11.2.
Variant type: single nucleotide variant.
Coding change: c.3197T>C on transcript NM_033400.3 (MANE Select); coding-DNA position 3197, T replaced by C.
Protein change: p.Leu1066Pro; replaces leucine 1066 with proline.
Molecular consequence: missense variant.
Genome position (GRCh38, 1-based): chr14:23,526,912, A>G on the plus strand (T>C on the coding strand, the complement: ZFHX2 is on the minus strand). VCF-style: chr14-23526912-A-G. GRCh37 (hg19) VCF-style: chr14-23996121-A-G.
Other names: short protein forms L1066P.
Identifiers: ClinVar variation 2644115 (VCV002644115.24), dbSNP rs2502023646, ClinGen allele CA389033875.